The following is an entry in ClinVar:

ClinVar aggregate classification (germline): Uncertain significance. Review status: criteria provided, multiple submitters, no conflicts (2 of 4 stars). 3 submissions from 3 submitters: Uncertain significance (3). Last evaluated 2025-07-11.

Conditions:
Hereditary cancer-predisposing syndrome. Also called: Tumor predisposition; Hereditary Cancer Syndrome; Hereditary neoplastic syndrome; Neoplastic Syndromes, Hereditary. Identifiers: Orphanet 140162, MedGen C0027672, MeSH D009386, MONDO:0015356.
Multiple endocrine neoplasia, type 2 (MEN2). Identifiers: Orphanet 653, MedGen C4048306, MONDO:0019003. Disease mechanism: gain of function.

Submissions (3):

Color Diagnostics, LLC DBA Color Health
Classification: Uncertain significance for Multiple endocrine neoplasia, type 2. Last evaluated: 2025-07-11. Review status: criteria provided, single submitter. Criteria: ACMG Guidelines, 2015. Collection method: clinical testing. Allele origin: germline.
Comment: This missense variant replaces leucine with serine at codon 1016 of the RET protein. Computational prediction suggests that this variant may have deleterious impact on protein structure and function. To our knowledge, functional studies have not been reported for this variant. This variant has not been reported as a germline variant in individuals affected with RET-related disorders in the literature. This variant has not been identified in the general population by the Genome Aggregation Database (gnomAD). The available evidence is insufficient to determine the role of this variant in disease conclusively. Therefore, this variant is classified as a Variant of Uncertain Significance.

Labcorp Genetics (formerly Invitae), Labcorp
Classification: Uncertain significance for Multiple endocrine neoplasia, type 2. Last evaluated: 2024-03-20. Review status: criteria provided, single submitter. Criteria: Invitae Variant Classification Sherloc (09022015). Collection method: clinical testing. Allele origin: germline.
Comment: This sequence change replaces leucine, which is neutral and non-polar, with serine, which is neutral and polar, at codon 1016 of the RET protein (p.Leu1016Ser). This variant is not present in population databases (gnomAD no frequency). This variant has not been reported in the literature in individuals affected with RET-related conditions. ClinVar contains an entry for this variant (Variation ID: 2625019). An algorithm developed to predict the effect of missense changes on protein structure and function (PolyPhen-2) suggests that this variant is likely to be disruptive. In summary, the available evidence is currently insufficient to determine the role of this variant in disease. Therefore, it has been classified as a Variant of Uncertain Significance.

Ambry Genetics
Classification: Uncertain significance for Hereditary cancer-predisposing syndrome. Last evaluated: 2023-06-15. Review status: criteria provided, single submitter. Criteria: Ambry Variant Classification Scheme 2023. Collection method: clinical testing. Allele origin: germline.
Comment: The p.L1016S variant (also known as c.3047T>C), located in coding exon 19 of the RET gene, results from a T to C substitution at nucleotide position 3047. The leucine at codon 1016 is replaced by serine, an amino acid with dissimilar properties. This amino acid position is highly conserved in available vertebrate species. In addition, this alteration is predicted to be deleterious by in silico analysis. Since supporting evidence is limited at this time, the clinical significance of this alteration remains unclear.

NM_020975.6(RET):c.3047T>C (p.Leu1016Ser)

Gene: RET (ret proto-oncogene; plus strand). Cytogenetic location: 10q11.21.
Variant type: single nucleotide variant.
Coding change: c.3047T>C on transcript NM_020975.6 (MANE Select); coding-DNA position 3047, T replaced by C.
Protein change: p.Leu1016Ser; replaces leucine 1016 with serine.
Molecular consequence: missense variant.
Genome position (GRCh38, 1-based): chr10:43,126,582, T>C. VCF-style: chr10-43126582-T-C. GRCh37 (hg19) VCF-style: chr10-43622030-T-C.
Other names: c.2651T>C, p.Leu884Ser (NM_001406769.1, NM_001406772.1); c.2321T>C, p.Leu774Ser (NM_001406775.1, NM_001406776.1, NM_001406777.1 and 1 more transcripts); c.2759T>C, p.Leu920Ser (NM_001406770.1, NM_001406766.1, NM_001406767.1); c.2609T>C, p.Leu870Ser (NM_001406771.1, NM_001406773.1); c.2522T>C, p.Leu841Ser (NM_001406774.1); c.2057T>C, p.Leu686Ser (NM_001406784.1); c.2030T>C, p.Leu677Ser (NM_001406785.1); c.2021T>C, p.Leu674Ser (NM_001406786.1, NM_001406783.1); and 10 more; short protein forms L1016S, L581S, L686S, L774S, L841S, L621S, L973S, L717S.
Identifiers: ClinVar variation 2625019 (VCV002625019.4), dbSNP rs2538640676, ClinGen allele CA376558283.
Genomic context (GRCh38, chr10:43,126,582, plus strand): 5'-TGTATCTAGTTGTGGCACATGGCTTGGAGTGACCGGCCATCTCTGTCTTCCAGGACTACT[T>C]GGACCTTGCGGCGTCCACTCCATCTGACTCCCTGATTTATGACGACGGCCTCTCAGAGGA-3'
Protein context (NP_066124.1, residues 1006-1026): EKMMVKRRDY[Leu1016Ser]DLAASTPSDS